The following is an entry in ClinVar:

NM_024685.4(BBS10):c.1440G>C (p.Leu480Phe)

Gene: BBS10 (Bardet-Biedl syndrome 10; minus strand). Cytogenetic location: 12q21.2.
Variant type: single nucleotide variant.
Coding change: c.1440G>C on transcript NM_024685.4 (MANE Select); coding-DNA position 1440, G replaced by C.
Protein change: p.Leu480Phe; replaces leucine 480 with phenylalanine.
Molecular consequence: missense variant.
Genome position (GRCh38, 1-based): chr12:76,346,545, C>G on the plus strand (G>C on the coding strand, the complement: BBS10 is on the minus strand). VCF-style: chr12-76346545-C-G. GRCh37 (hg19) VCF-style: chr12-76740325-C-G.
Other names: c.1440G>C (NM_024685.3); short protein forms L480F.
Identifiers: ClinVar variation 2417951 (VCV002417951.5), dbSNP rs1174795074, ClinGen allele CA385811166.

ClinVar aggregate classification (germline): Uncertain significance. Review status: criteria provided, multiple submitters, no conflicts (2 of 4 stars). 2 submissions from 2 submitters: Uncertain significance (2). Last evaluated 2025-06-16.

Conditions:
Inborn genetic diseases. Identifiers: MedGen C0950123, MeSH D030342.
Bardet-Biedl syndrome (BBS). Identifiers: Orphanet 110, MedGen C0752166, MONDO:0015229.

Allele frequency attached by ClinVar (database versions not stated): gnomAD 0.00001; gnomAD exomes 0.00001; TOPMed 0.00001.
gnomAD v4.1: 11 of 1,613,864 alleles (0.00068%); highest among the groups gnomAD compares: African/African-American, 0.0027%; no homozygotes.

Submissions (2):

Ambry Genetics
Classification: Uncertain significance for Inborn genetic diseases. Last evaluated: 2025-06-16. Review status: criteria provided, single submitter. Criteria: Ambry Variant Classification Scheme 2023. Collection method: clinical testing. Allele origin: germline.

Labcorp Genetics (formerly Invitae), Labcorp
Classification: Uncertain significance for Bardet-Biedl syndrome. Last evaluated: 2025-04-17. Review status: criteria provided, single submitter. Criteria: Invitae Variant Classification Sherloc (09022015). Collection method: clinical testing. Allele origin: germline.
Comment: This sequence change replaces leucine, which is neutral and non-polar, with phenylalanine, which is neutral and non-polar, at codon 480 of the BBS10 protein (p.Leu480Phe). This variant is present in population databases (no rsID available, gnomAD 0.0009%). This variant has not been reported in the literature in individuals affected with BBS10-related conditions. ClinVar contains an entry for this variant (Variation ID: 2417951). Invitae Evidence Modeling of protein sequence and biophysical properties (such as structural, functional, and spatial information, amino acid conservation, physicochemical variation, residue mobility, and thermodynamic stability) indicates that this missense variant is not expected to disrupt BBS10 protein function with a negative predictive value of 80%. In summary, the available evidence is currently insufficient to determine the role of this variant in disease. Therefore, it has been classified as a Variant of Uncertain Significance.